The following is an entry in ClinVar:

ClinVar aggregate classification (germline): Pathogenic/Likely pathogenic. Review status: criteria provided, multiple submitters, no conflicts (2 of 4 stars). 2 submissions from 2 submitters: Pathogenic (1); Likely pathogenic (1). Last evaluated 2025-08-13.

Conditions:
Neurodevelopmental disorder with dysmorphic facies and distal limb anomalies. Identifiers: Orphanet 686482, MedGen C4540327, MONDO:0060596, OMIM 617755.

Submissions (2):

GeneDx
Classification: Pathogenic. Last evaluated: 2025-08-13. Review status: criteria provided, single submitter. Criteria: GeneDx Variant Classification Process June 2021. Collection method: clinical testing. Allele origin: germline. Affected: yes.
Comment: Nonsense variant predicted to result in protein truncation or nonsense mediated decay in a gene for which loss of function is a known mechanism of disease; Not observed at significant frequency in large population cohorts (gnomAD); Has not been previously published as pathogenic or benign to our knowledge

3billion
Classification: Likely pathogenic for Neurodevelopmental disorder with dysmorphic facies and distal limb anomalies. Last evaluated: 2025-04-14. Review status: criteria provided, single submitter. Criteria: ACMG Guidelines, 2015. Collection method: clinical testing. Allele origin: germline. Affected: yes.

NM_182641.4(BPTF):c.3964C>T (p.Arg1322Ter)

Gene: BPTF (bromodomain PHD finger transcription factor; plus strand). Cytogenetic location: 17q24.2.
Variant type: single nucleotide variant.
Coding change: c.3964C>T on transcript NM_182641.4 (MANE Select); coding-DNA position 3964, C replaced by T.
Protein change: p.Arg1322Ter; replaces arginine 1322 with a stop codon.
Molecular consequence: nonsense.
Genome position (GRCh38, 1-based): chr17:67,911,848, C>T. VCF-style: chr17-67911848-C-T. GRCh37 (hg19) VCF-style: chr17-65907964-C-T.
Other names: c.4342C>T (NM_004459.6); c.4342C>T, p.Arg1448Ter (NM_001439142.1, NM_004459.7, NM_001439140.1); c.4153C>T, p.Arg1385Ter (NM_001439143.1, NM_001439144.1, NM_001439139.1 and 1 more transcripts); short protein forms R1322*, R1385*, R1448*.
Identifiers: ClinVar variation 4292692 (VCV004292692.2).